The following is an entry in ClinVar:

ClinVar aggregate classification (germline): Likely benign (0 of 4 stars; one submission).

Conditions:
SDCCAG8-related disorder. Also called: SDCCAG8-Related Disorders; SDCCAG8-related condition.

gnomAD v4.1: 1 of 1,613,254 alleles (0.000062%); highest among the groups gnomAD compares: African/African-American, 0.0013%; no homozygotes.

Submission:

PreventionGenetics, part of Exact Sciences
Classification: Likely benign for SDCCAG8-related condition. Last evaluated: 2023-03-07. Review status: no assertion criteria provided. Collection method: clinical testing. Allele origin: germline.
Comment: This variant is classified as likely benign based on ACMG/AMP sequence variant interpretation guidelines (Richards et al. 2015 PMID: 25741868, with internal and published modifications).

NM_006642.5(SDCCAG8):c.741-9T>C

Gene: SDCCAG8 (SHH signaling and ciliogenesis regulator SDCCAG8; plus strand). Cytogenetic location: 1q43.
Variant type: single nucleotide variant.
Coding change: c.741-9T>C on transcript NM_006642.5 (MANE Select); 9 bases into the intron before coding-DNA position 741, T replaced by C.
Molecular consequence: intron variant.
Genome position (GRCh38, 1-based): chr1:243,307,980, T>C. VCF-style: chr1-243307980-T-C. GRCh37 (hg19) VCF-style: chr1-243471282-T-C.
Other names: c.447-9T>C (NM_001350249.2); c.-163-9T>C (NM_001350251.2, NM_001350246.2, NM_001350247.2); c.837-9T>C (NM_001350248.2).
Identifiers: ClinVar variation 3356407 (VCV003356407.1).